The following is an entry in ClinVar:

ClinVar aggregate classification (germline): Conflicting classifications of pathogenicity. Review status: criteria provided, conflicting classifications (1 of 4 stars). 3 submissions from 3 submitters: Uncertain significance (1); Likely benign (2). Last evaluated 2026-02-02.

Submissions (3):

Labcorp Genetics (formerly Invitae), Labcorp
Classification: Likely benign. Last evaluated: 2026-02-02. Review status: criteria provided, single submitter. Criteria: Invitae Variant Classification Sherloc (09022015). Collection method: clinical testing. Allele origin: germline.

Women's Health and Genetics/Laboratory Corporation of America, LabCorp
Classification: Likely benign. Last evaluated: 2025-09-24. Review status: criteria provided, single submitter. Criteria: LabCorp Variant Classification Summary - May 2015. Collection method: clinical testing. Allele origin: germline.
Comment: Variant summary: COL18A1 c.107-12112_107-12111delinsTT is located at a position not widely known to affect splicing. Consensus agreement among computation tools predict no significant impact on normal splicing. However, these predictions have yet to be confirmed by functional studies. The frequency data for this variant in gnomAD is considered unreliable, as metrics indicate poor data quality at this position. To our knowledge, no occurrence of c.107-12112_107-12111delinsTT in individuals affected with COL18A1-related conditions and no experimental evidence demonstrating its impact on protein function have been reported. ClinVar contains an entry for this variant (Variation ID: 503931). Based on the evidence outlined above, the variant was classified as likely benign.

GeneDx
Classification: Uncertain significance. Last evaluated: 2017-12-06. Review status: criteria provided, single submitter. Criteria: GeneDx Variant Classification (06012015). Collection method: clinical testing. Allele origin: germline. Affected: yes.
Comment: The c.600_601delGCinsTT variant in the COL18A1 gene has not been reported previously as a pathogenic variant, nor as a benign variant, to our knowledge. The c.600_601delGCinsTT variant causes an in-frame substitution of two amino acids, Arginine 200 and Proline 201, with two Serine residues, denoted p.Arg200_Pro201delinsSerSer. In-silico analyses, including protein predictors and evolutionary conservation, support a deleterious effect. The c.600_601delGCinsTT variant is not observed at a significant frequency in large population cohorts (Lek et al., 2016). We interpret c.600_601delGCinsTT as a variant of uncertain significance.

NM_001379500.1(COL18A1):c.107-12112_107-12111delinsTT

Gene: COL18A1 (collagen type XVIII alpha 1 chain; plus strand). Cytogenetic location: 21q22.3.
Variant type: Indel.
Coding change: c.107-12112_107-12111delinsTT on transcript NM_001379500.1 (MANE Select); 12112 bases into the intron before coding-DNA position 107 through 12111 bases into the intron before coding-DNA position 107, GC replaced by TT.
Molecular consequence: intron variant. On other transcripts: missense variant (2).
Genome position (GRCh38, 1-based): chr21:45,456,130-45,456,131, GC replaced by TT. VCF-style: chr21-45456130-GC-TT. GRCh37 (hg19) VCF-style: chr21-46876044-GC-TT.
Other names: NM_130445.2:c.107-12112_107-12111delGCinsTT; c.600_601delinsTT, p.Arg200_Pro201delinsSerSer (NM_030582.4, NM_130444.3).
Identifiers: ClinVar variation 503931 (VCV000503931.11), dbSNP rs1555853999, ClinGen allele CA658799463.